The following is an entry in ClinVar:

NM_004525.3(LRP2):c.7253A>G (p.Glu2418Gly)

Gene: LRP2 (LDL receptor related protein 2; minus strand). Cytogenetic location: 2q31.1.
Variant type: single nucleotide variant.
Coding change: c.7253A>G on transcript NM_004525.3 (MANE Select); coding-DNA position 7253, A replaced by G.
Protein change: p.Glu2418Gly; replaces glutamic acid 2418 with glycine.
Molecular consequence: missense variant.
Genome position (GRCh38, 1-based): chr2:169,206,467, T>C on the plus strand (A>G on the coding strand, the complement: LRP2 is on the minus strand). VCF-style: chr2-169206467-T-C. GRCh37 (hg19) VCF-style: chr2-170062977-T-C.
Other names: p.Glu2418Gly; short protein forms E2418G.
Identifiers: ClinVar variation 259420 (VCV000259420.22), dbSNP rs61995915, ClinGen allele CA1954149.

ClinVar aggregate classification (germline): Benign/Likely benign. Review status: criteria provided, multiple submitters, no conflicts (2 of 4 stars). 8 submissions from 8 submitters: Benign (6); Likely benign (2). Last evaluated 2026-02-04.

Conditions:
Donnai-Barrow syndrome. Also called: FACIOOCULOACOUSTICORENAL SYNDROME; DBS/FOAR SYNDROME. Identifiers: Orphanet 2143, MedGen C1857277, MONDO:0009104, OMIM 222448.

Allele frequency attached by ClinVar (database versions not stated): 1000 Genomes Project 30x 0.00500; 1000 Genomes Project 0.00539; TOPMed 0.01035; ESP Exome Variant Server 0.01207; gnomAD 0.01227 and 0.01278; gnomAD exomes 0.01263 and 0.01650; ExAC 0.01287.
gnomAD v4.1: 25,832 of 1,614,194 alleles (1.6%); highest among the groups gnomAD compares: Non-Finnish European, 1.8%; 260 homozygotes.

Submissions (12):

Labcorp Genetics (formerly Invitae), Labcorp
Classification: Benign. Last evaluated: 2026-02-04. Review status: criteria provided, single submitter. Criteria: Invitae Variant Classification Sherloc (09022015). Collection method: clinical testing. Allele origin: germline.

Mayo Clinic Laboratories, Mayo Clinic
Classification: Benign. Last evaluated: 2025-03-31. Review status: criteria provided, single submitter. Criteria: ACMG Guidelines, 2015. Collection method: clinical testing. Allele origin: germline. Observed: 2 variant alleles.
Comment: BA1, BS2, BP4

Fulgent Genetics
Classification: Benign for Donnai-Barrow syndrome. Last evaluated: 2021-07-27. Review status: criteria provided, single submitter. Criteria: ACMG Guidelines, 2015. Collection method: clinical testing. Allele origin: unknown.

Genome-Nilou Lab
Classification: Benign for Donnai-Barrow syndrome. Last evaluated: 2021-07-15. Review status: criteria provided, single submitter. Criteria: ACMG Guidelines, 2015. Collection method: clinical testing. Allele origin: germline. Affected: no.

GeneDx
Classification: Likely benign. Last evaluated: 2020-08-06. Review status: criteria provided, single submitter. Criteria: GeneDx Variant Classification Process June 2021. Collection method: clinical testing. Allele origin: germline. Affected: yes.

Illumina Laboratory Services, Illumina
Classification: Benign for Donnai-Barrow syndrome. Last evaluated: 2018-01-12. Review status: criteria provided, single submitter. Criteria: ICSL Variant Classification Criteria 13 December 2019. Collection method: clinical testing. Allele origin: germline.
Comment: This variant was observed in the ICSL laboratory as part of a predisposition screen in an ostensibly healthy population. It had not been previously curated by ICSL or reported in the Human Gene Mutation Database (HGMD: prior to June 1st, 2018), and was therefore a candidate for classification through an automated scoring system. Utilizing variant allele frequency, disease prevalence and penetrance estimates, and inheritance mode, an automated score was calculated to assess if this variant is too frequent to cause the disease. Based on the score and internal cut-off values, a variant classified as benign is not then subjected to further curation. The score for this variant resulted in a classification of benign for this disease.

Breakthrough Genomics
Classification: Likely benign. Review status: criteria provided, single submitter. Criteria: ACMG Guidelines, 2015. Collection method: not provided. Allele origin: germline. Inheritance: Autosomal recessive inheritance. Affected: yes.

PreventionGenetics, part of Exact Sciences
Classification: Benign. Review status: criteria provided, single submitter. Criteria: ACMG Guidelines, 2015. Collection method: clinical testing. Allele origin: germline.

Dr. Peter K. Rogan Lab, Western University
No classification provided (evidence only). Condition: Lung cancer. Review status: no classification provided. Collection method: in vitro. Allele origin: not applicable. Functional consequence: retained intron. Not counted in ClinVar's aggregate classification.

Dr. Peter K. Rogan Lab, Western University
No classification provided (evidence only). Condition: Lung cancer. Review status: no classification provided. Collection method: in vitro. Allele origin: not applicable. Functional consequence: retained intron. Not counted in ClinVar's aggregate classification.

Dr. Peter K. Rogan Lab, Western University
No classification provided (evidence only). Condition: Lung cancer. Review status: no classification provided. Collection method: in vitro. Allele origin: not applicable. Functional consequence: retained intron. Not counted in ClinVar's aggregate classification.

Dr. Peter K. Rogan Lab, Western University
No classification provided (evidence only). Condition: Ovarian serous cystadenocarcinoma. Review status: no classification provided. Collection method: in vitro. Allele origin: not applicable. Functional consequence: retained intron. Not counted in ClinVar's aggregate classification.